The following is an entry in ClinVar:

ClinVar aggregate classification (germline): Uncertain significance. Review status: criteria provided, multiple submitters, no conflicts (2 of 4 stars). 2 submissions from 2 submitters: Uncertain significance (2). Last evaluated 2025-03-08.

Conditions:
Dyskeratosis congenita, autosomal recessive 5 (DKCB5). Identifiers: MedGen C3554656, MONDO:0014076, OMIM 615190.
Pulmonary fibrosis and/or bone marrow failure, Telomere-related, 3. Also called: PULMONARY FIBROSIS AND/OR BONE MARROW FAILURE SYNDROME, TELOMERE-RELATED, 3. Identifiers: Orphanet 2032, MedGen C4225346, MONDO:0014613, OMIM 616373.
Inborn genetic diseases. Identifiers: MedGen C0950123, MeSH D030342.

Allele frequency attached by ClinVar (database versions not stated): gnomAD exomes below 0.00001.

Submissions (2):

Ambry Genetics
Classification: Uncertain significance for Inborn genetic diseases. Last evaluated: 2025-03-08. Review status: criteria provided, single submitter. Criteria: Ambry Variant Classification Scheme 2023. Collection method: clinical testing. Allele origin: germline.
Comment: The p.P887S variant (also known as c.2659C>T), located in coding exon 28 of the RTEL1 gene, results from a C to T substitution at nucleotide position 2659. The proline at codon 887 is replaced by serine, an amino acid with similar properties. This amino acid position is conserved. In addition, this alteration is predicted to be tolerated by in silico analysis. Based on the available evidence, the clinical significance of this variant remains unclear.

Labcorp Genetics (formerly Invitae), Labcorp
Classification: Uncertain significance for Dyskeratosis congenita, autosomal recessive 5; Pulmonary fibrosis and/or bone marrow failure, Telomere-related, 3. Last evaluated: 2021-12-11. Review status: criteria provided, single submitter. Criteria: Invitae Variant Classification Sherloc (09022015). Collection method: clinical testing. Allele origin: germline.
Comment: This sequence change replaces proline, which is neutral and non-polar, with serine, which is neutral and polar, at codon 887 of the RTEL1 protein (p.Pro887Ser). This variant is present in population databases (no rsID available, gnomAD 0.003%). This variant has not been reported in the literature in individuals affected with RTEL1-related conditions. Algorithms developed to predict the effect of missense changes on protein structure and function (SIFT, PolyPhen-2, Align-GVGD) all suggest that this variant is likely to be tolerated. In summary, the available evidence is currently insufficient to determine the role of this variant in disease. Therefore, it has been classified as a Variant of Uncertain Significance.

NM_001283009.2(RTEL1):c.2659C>T (p.Pro887Ser)

Genes: RTEL1 (regulator of telomere elongation helicase 1; plus strand), RTEL1-TNFRSF6B (RTEL1-TNFRSF6B readthrough (NMD candidate); plus strand). Cytogenetic location: 20q13.33.
Variant type: single nucleotide variant.
Coding change: c.2659C>T on transcript NM_001283009.2 (MANE Select); coding-DNA position 2659, C replaced by T.
Protein change: p.Pro887Ser; replaces proline 887 with serine.
Molecular consequence: missense variant. On other transcripts: non-coding transcript variant (1).
Genome position (GRCh38, 1-based): chr20:63,692,811, C>T. VCF-style: chr20-63692811-C-T. GRCh37 (hg19) VCF-style: chr20-62324164-C-T.
Other names: c.1990C>T, p.Pro664Ser (NM_001283010.1); c.2659C>T, p.Pro887Ser (NM_016434.4); c.2731C>T, p.Pro911Ser (NM_032957.5); short protein forms P664S, P887S, P911S.
Identifiers: ClinVar variation 1469980 (VCV001469980.4), dbSNP rs1399014030, ClinGen allele CA409682785.
Genomic context (GRCh38, chr20:63,692,811, plus strand): 5'-AGGGACCAGATGATGAGGCTGGCCCTGATGGAGCCTCGGGCCTGTGTCCTGCAGGAGGAG[C>T]CCGTGGCTGGTGCACAGACGGACAGGGCCAAGCTCTTCATGGTGGCCGTGAAGCAGGAGT-3'
Protein context (NP_001269938.1, residues 877-897): KIRLVSHPEE[Pro887Ser]VAGAQTDRAK